The following is an entry in ClinVar:

NM_000059.4(BRCA2):c.2759C>T (p.Pro920Leu)

Gene: BRCA2 (BRCA2 DNA repair associated; plus strand). Cytogenetic location: 13q13.1.
Variant type: single nucleotide variant.
Coding change: c.2759C>T on transcript NM_000059.4 (MANE Select); coding-DNA position 2759, C replaced by T.
Protein change: p.Pro920Leu; replaces proline 920 with leucine.
Molecular consequence: missense variant.
Genome position (GRCh38, 1-based): chr13:32,337,114, C>T. VCF-style: chr13-32337114-C-T. GRCh37 (hg19) VCF-style: chr13-32911251-C-T.
Other names: short protein forms P920L.
Identifiers: ClinVar variation 462275 (VCV000462275.16), dbSNP rs1555282835, ClinGen allele CA387773659.

ClinVar aggregate classification (germline): Conflicting classifications of pathogenicity. Review status: criteria provided, conflicting classifications (1 of 4 stars). 4 submissions from 4 submitters: Uncertain significance (3); Likely benign (1). Last evaluated 2025-07-02.

Conditions:
Hereditary cancer-predisposing syndrome. Also called: Neoplastic Syndromes, Hereditary; Hereditary Cancer Syndrome; Hereditary neoplastic syndrome; Tumor predisposition. Identifiers: Orphanet 140162, MedGen C0027672, MeSH D009386, MONDO:0015356.
Hereditary breast ovarian cancer syndrome. Also called: Hereditary breast and ovarian cancer syndrome (HBOC); Hereditary breast and ovarian cancer syndrome; Breast and ovarian cancer; Hereditary breast and/or ovarian cancer syndrome; Hereditary breast and ovarian cancer; BRCA1- and BRCA2-Associated Hereditary Breast and Ovarian Cancer. Identifiers: Orphanet 145, MedGen C0677776, MeSH D061325, MONDO:0003582. Disease mechanism: loss of function.

Allele frequency attached by ClinVar (database versions not stated): gnomAD exomes below 0.00001.
gnomAD v4.1: 1 of 1,613,696 alleles (0.000062%); highest among the groups gnomAD compares: Non-Finnish European, 0.000085%; no homozygotes.

Submissions (4):

Labcorp Genetics (formerly Invitae), Labcorp
Classification: Uncertain significance for Hereditary breast ovarian cancer syndrome. Last evaluated: 2025-07-02. Review status: criteria provided, single submitter. Criteria: Invitae Variant Classification Sherloc (09022015). Collection method: clinical testing. Allele origin: germline.
Comment: This sequence change replaces proline, which is neutral and non-polar, with leucine, which is neutral and non-polar, at codon 920 of the BRCA2 protein (p.Pro920Leu). This variant is not present in population databases (gnomAD no frequency). This missense change has been observed in individual(s) with ovary cancer (PMID: 34326862). ClinVar contains an entry for this variant (Variation ID: 462275). Invitae Evidence Modeling of protein sequence and biophysical properties (such as structural, functional, and spatial information, amino acid conservation, physicochemical variation, residue mobility, and thermodynamic stability) indicates that this missense variant is not expected to disrupt BRCA2 protein function with a negative predictive value of 95%. In summary, the available evidence is currently insufficient to determine the role of this variant in disease. Therefore, it has been classified as a Variant of Uncertain Significance.

Ambry Genetics
Classification: Uncertain significance for Hereditary cancer-predisposing syndrome. Last evaluated: 2023-10-19. Review status: criteria provided, single submitter. Criteria: Ambry Variant Classification Scheme 2023. Collection method: clinical testing. Allele origin: germline.
Comment: The p.P920L variant (also known as c.2759C>T), located in coding exon 10 of the BRCA2 gene, results from a C to T substitution at nucleotide position 2759. The proline at codon 920 is replaced by leucine, an amino acid with similar properties. This amino acid position is not well conserved in available vertebrate species. In addition, this alteration is predicted to be tolerated by in silico analysis. Since supporting evidence is limited at this time, the clinical significance of this alteration remains unclear.

University of Washington Department of Laboratory Medicine, University of Washington
Classification: Likely benign for Hereditary cancer-predisposing syndrome. Last evaluated: 2023-03-23. Review status: criteria provided, single submitter. Criteria: Dines et al. (Genet Med. 2020). Collection method: curation. Allele origin: germline.
Comment: Missense variant in a coldspot region where missense variants are very unlikely to be pathogenic (PMID:31911673).

BRCA2 exon 11 coldspot. Reclassification based on statistical prior probability.

Color Diagnostics, LLC DBA Color Health
Classification: Uncertain significance for Hereditary cancer-predisposing syndrome. Last evaluated: 2021-09-07. Review status: criteria provided, single submitter. Criteria: ACMG Guidelines, 2015. Collection method: clinical testing. Allele origin: germline.
Comment: This missense variant replaces proline with leucine at codon 920 of the BRCA2 protein. Computational prediction suggests that this variant may not impact protein structure and function (internally defined REVEL score threshold <= 0.5, PMID: 27666373). To our knowledge, functional studies have not been reported for this variant. This variant has not been identified in the general population by the Genome Aggregation Database (gnomAD). The available evidence is insufficient to determine the role of this variant in disease conclusively. Therefore, this variant is classified as a Variant of Uncertain Significance.

Literature cited by the submitters: PubMed 34326862 (cited by Labcorp Genetics (formerly Invitae), Labcorp).